The following is an entry in ClinVar:

ClinVar aggregate classification (germline): Likely benign. Review status: criteria provided, single submitter (1 of 4 stars). 2 submissions from 1 submitter: Likely benign (2). Last evaluated 2018-01-12.

Conditions:
Martsolf syndrome (MARTS). Also called: Congenital cataract with intellectual disability and hypogonadotropic hypogonadism syndrome. Identifiers: Orphanet 1387, MedGen C0796037, MONDO:0023910.
Warburg micro syndrome 2 (WARBM2). Also called: MICRO SYNDROME 2. Identifiers: Orphanet 2510, MedGen C3280214, MONDO:0013641, OMIM 614225.

Allele frequency attached by ClinVar (database versions not stated): TOPMed 0.00046; 1000 Genomes Project 0.00060; 1000 Genomes Project 30x 0.00078; gnomAD 0.00152 and 0.00158; gnomAD exomes 0.01106.
gnomAD v4.1: 232 of 152,538 alleles (0.15%); highest among the groups gnomAD compares: Non-Finnish European, 0.13%; 1 homozygote.

Submissions (2):

Illumina Laboratory Services, Illumina
Classification: Likely benign for Warburg micro syndrome 2. Last evaluated: 2018-01-12. Review status: criteria provided, single submitter. Criteria: ICSL Variant Classification Criteria 13 December 2019. Collection method: clinical testing. Allele origin: germline.
Comment: This variant was observed in the ICSL laboratory as part of a predisposition screen in an ostensibly healthy population. It had not been previously curated by ICSL or reported in the Human Gene Mutation Database (HGMD: prior to June 1st, 2018), and was therefore a candidate for classification through an automated scoring system. Utilizing variant allele frequency, disease prevalence and penetrance estimates, and inheritance mode, an automated score was calculated to assess if this variant is too frequent to cause the disease. Based on the score and internal cut-off values, a variant classified as likely benign is not then subjected to further curation. The score for this variant resulted in a classification of likely benign for this disease.

Illumina Laboratory Services, Illumina
Classification: Likely benign for Martsolf syndrome 1. Last evaluated: 2018-01-12. Review status: criteria provided, single submitter. Criteria: ICSL Variant Classification Criteria 13 December 2019. Collection method: clinical testing. Allele origin: germline.
Comment: the same text as in the submission from Illumina Laboratory Services, Illumina above.

NM_012414.4(RAB3GAP2):c.*645C>T

Gene: RAB3GAP2 (RAB3 GTPase activating non-catalytic protein subunit 2; minus strand). Cytogenetic location: 1q41.
Variant type: single nucleotide variant.
Coding change: c.*645C>T on transcript NM_012414.4 (MANE Select); 645 bases downstream of the stop codon, C replaced by T.
Molecular consequence: 3 prime UTR variant.
Genome position (GRCh38, 1-based): chr1:220,150,606, G>A on the plus strand (C>T on the coding strand, the complement: RAB3GAP2 is on the minus strand). VCF-style: chr1-220150606-G-A. GRCh37 (hg19) VCF-style: chr1-220323948-G-A.
Identifiers: ClinVar variation 295633 (VCV000295633.5), dbSNP rs188031183, ClinGen allele CA10609313.